The following is an entry in ClinVar:

ClinVar aggregate classification (germline): Likely benign (1 of 4 stars; one submission).

Allele frequency attached by ClinVar (database versions not stated): TOPMed 0.00003; gnomAD 0.00003.
gnomAD v4.1: 197 of 1,594,984 alleles (0.012%); highest among the groups gnomAD compares: Non-Finnish European, 0.016%; no homozygotes.

Submission:

GeneDx
Classification: Likely benign. Last evaluated: 2017-12-06. Review status: criteria provided, single submitter. Criteria: GeneDx Variant Classification (06012015). Collection method: clinical testing. Allele origin: germline. Affected: yes.
Comment: This variant is considered likely benign or benign based on one or more of the following criteria: it is a conservative change, it occurs at a poorly conserved position in the protein, it is predicted to be benign by multiple in silico algorithms, and/or has population frequency not consistent with disease.

NM_014362.4(HIBCH):c.-46T>C

Gene: HIBCH (3-hydroxyisobutyryl-CoA hydrolase; minus strand). Cytogenetic location: 2q32.2.
Variant type: single nucleotide variant.
Coding change: c.-46T>C on transcript NM_014362.4 (MANE Select); 46 bases upstream of the start codon, T replaced by C.
Molecular consequence: 5 prime UTR variant.
Genome position (GRCh38, 1-based): chr2:190,319,796, A>G on the plus strand (T>C on the coding strand, the complement: HIBCH is on the minus strand). VCF-style: chr2-190319796-A-G. GRCh37 (hg19) VCF-style: chr2-191184522-A-G.
Other names: c.-46T>C (NM_198047.3).
Identifiers: ClinVar variation 513609 (VCV000513609.1), dbSNP rs745453202, ClinGen allele CA2027861.